The following is an entry in ClinVar:

NM_001232.4(CASQ2):c.1132GAT[7] (p.Asp383dup)

Gene: CASQ2 (calsequestrin 2; minus strand). Cytogenetic location: 1p13.1.
Variant type: Microsatellite.
Coding change: c.1132GAT[7] on transcript NM_001232.4 (MANE Select); seven copies in a row of the 3-base unit GAT starting at c.1132; the reference has six copies in a row; one copy, 3 bases duplicated; also written c.1147_1149dup.
Protein change: p.Asp383dup; duplicates aspartic acid 383.
Molecular consequence: inframe insertion.
Genome position (GRCh38, 1-based): chr1:115,701,292-115,701,294, ATC duplicated on the plus strand (GAT on the coding strand, the reverse complement: CASQ2 is on the minus strand); duplicating any 3 consecutive bases within chr1:115,701,292-115,701,309 gives the same sequence; the position shown is the placement nearest the transcript's 3' end. VCF-style (leftmost placement, unchanged base first): chr1-115701291-T-TATC. GRCh37 (hg19) VCF-style: chr1-116243912-T-TATC.
Other names: p.Asp383dup; c.1147_1149dup (NM_001232.4); c.1147_1149dupGAT (NM_001232.3).
Identifiers: ClinVar variation 179599 (VCV000179599.32), dbSNP rs72554069, ClinGen allele CA184752.
Genomic context (GRCh38, chr1:115,701,291, plus strand): 5'-TGGAGTTGGGCTATTCATCATCATCGTCATCACTGTCATCATTATCCTCTTCATCAGAAT[T>TATC]ATCATCATCATCATCATCTTCATCATCATCTTCAGTGTTTATCTTTCCAGAAAGCACATC-3'

ClinVar aggregate classification (germline): Conflicting classifications of pathogenicity. Review status: criteria provided, conflicting classifications (1 of 4 stars). 7 submissions from 7 submitters: Uncertain significance (5); Likely benign (1). 1 of the submissions does not count toward it. Last evaluated 2026-01-15.

Conditions:
Cardiovascular phenotype. Identifiers: MedGen CN230736.
Catecholaminergic polymorphic ventricular tachycardia 2. Also called: CASQ2-Related Catecholaminergic Polymorphic Ventricular Tachycardia; VENTRICULAR TACHYCARDIA, STRESS-INDUCED POLYMORPHIC 2. Identifiers: Orphanet 3286, MedGen C2677794, MONDO:0012762, OMIM 611938.
Catecholaminergic polymorphic ventricular tachycardia 1. Also called: RYR2-Related Catecholaminergic Polymorphic Ventricular Tachycardia; VENTRICULAR TACHYCARDIA, STRESS-INDUCED POLYMORPHIC 1; VENTRICULAR TACHYCARDIA, CATECHOLAMINERGIC POLYMORPHIC, 1, WITH OR WITHOUT ATRIAL DYSFUNCTION AND/OR DILATED CARDIOMYOPATHY. Identifiers: Orphanet 3286, MedGen C1631597, MONDO:0011484, OMIM 604772.
Cardiomyopathy (CMYO). Also called: Cardiomyopathies. Identifiers: Orphanet 167848, MedGen C0878544, MONDO:0004994, HP:0001638. Inheritance: Various modes of inheritance.

Submissions (7):

Labcorp Genetics (formerly Invitae), Labcorp
Classification: Uncertain significance for Catecholaminergic polymorphic ventricular tachycardia 1. Last evaluated: 2026-01-15. Review status: criteria provided, single submitter. Criteria: Invitae Variant Classification Sherloc (09022015). Collection method: clinical testing. Allele origin: germline.
Comment: This variant, c.1147_1149dup, results in the insertion of 1 amino acid(s) of the CASQ2 protein (p.Asp383dup), but otherwise preserves the integrity of the reading frame. The frequency data for this variant in the population databases is considered unreliable, as metrics indicate poor data quality at this position in the gnomAD database. This variant has not been reported in the literature in individuals affected with CASQ2-related conditions. ClinVar contains an entry for this variant (Variation ID: 179599). Experimental studies and prediction algorithms are not available or were not evaluated, and the functional significance of this variant is currently unknown. In summary, the available evidence is currently insufficient to determine the role of this variant in disease. Therefore, it has been classified as a Variant of Uncertain Significance.

GeneDx
Classification: Uncertain significance. Last evaluated: 2022-11-28. Review status: criteria provided, single submitter. Criteria: GeneDx Variant Classification Process June 2021. Collection method: clinical testing. Allele origin: germline. Affected: yes.
Comment: Has not been previously published as pathogenic or benign to our knowledge; Not observed at significant frequency in large population cohorts (gnomAD); In-frame duplication of 1 amino acids in a repetitive region with no known function

Fulgent Genetics
Classification: Uncertain significance for Catecholaminergic polymorphic ventricular tachycardia 1; Catecholaminergic polymorphic ventricular tachycardia 2. Last evaluated: 2021-08-05. Review status: criteria provided, single submitter. Criteria: ACMG Guidelines, 2015. Collection method: clinical testing. Allele origin: unknown.

Ambry Genetics
Classification: Likely benign for Cardiovascular phenotype. Last evaluated: 2021-06-15. Review status: criteria provided, single submitter. Criteria: Ambry Variant Classification Scheme 2023. Collection method: clinical testing. Allele origin: germline.

CHEO Genetics Diagnostic Laboratory, Children's Hospital of Eastern Ontario
Classification: Uncertain significance for Cardiomyopathy. Last evaluated: 2017-11-14. Review status: criteria provided, single submitter. Criteria: ACMG Guidelines, 2015. Collection method: clinical testing. Allele origin: germline.

Laboratory for Molecular Medicine, Mass General Brigham Personalized Medicine
Classification: Uncertain significance. Last evaluated: 2014-03-14. Review status: criteria provided, single submitter. Criteria: LMM Criteria. Collection method: clinical testing. Allele origin: germline. Observed: 1 variant allele.
Comment: The Asp378[7] variant in CASQ2 has not been previously reported in individuals w ith cardiomyopathy. Data from large population studies is insufficient to assess the frequency of this variant. This variant results in the addition of a single aspartic acid (Asp) in a poly aspartic acid stretch, which does not alter the r emainder of the protein. It is unclear if this addition impacts the protein. A d eletion (Asp378[5]) in this same string of residues has been identified by our l aboratory in 2 individuals with HCM, one of whom carried a likely pathogenic var iant in another gene (LMM unpublished data) and is listed in dbSNP (rs72554069) with limited frequency information. At this time, additional information is need ed to fully assess the clinical significance of the Asp378[7] variant.

Eurofins Ntd Llc (ga)
Classification: Uncertain significance. Last evaluated: 2014-02-06. Review status: no assertion criteria provided. Collection method: clinical testing. Allele origin: germline. Observed: 1 variant allele, 1 heterozygote. Not counted in ClinVar's aggregate classification.